The following is an entry in ClinVar:

NM_015627.3(LDLRAP1):c.46A>C (p.Ser16Arg)

Genes: LDLRAP1 (low density lipoprotein receptor adaptor protein 1; plus strand), LOC129929773 (ATAC-STARR-seq lymphoblastoid silent region 456; plus strand). Cytogenetic location: 1p36.11.
Variant type: single nucleotide variant.
Coding change: c.46A>C on transcript NM_015627.3 (MANE Select); coding-DNA position 46, A replaced by C.
Protein change: p.Ser16Arg; replaces serine 16 with arginine.
Molecular consequence: missense variant.
Genome position (GRCh38, 1-based): chr1:25,543,744, A>C. VCF-style: chr1-25543744-A-C. GRCh37 (hg19) VCF-style: chr1-25870235-A-C.
Other names: short protein forms S16R.
Identifiers: ClinVar variation 1483562 (VCV001483562.10), dbSNP rs1218572882, ClinGen allele CA339076607.

ClinVar aggregate classification (germline): Uncertain significance. Review status: criteria provided, multiple submitters, no conflicts (2 of 4 stars). 3 submissions from 3 submitters: Uncertain significance (3). Last evaluated 2025-12-08.

Conditions:
Hypercholesterolemia, familial, 4 (FHCL4). Also called: HYPERCHOLESTEROLEMIA, AUTOSOMAL RECESSIVE, 1; HYPERCHOLESTEROLEMIA, AUTOSOMAL RECESSIVE, 2. Identifiers: Orphanet 391665, MedGen C1863512, MONDO:0011374, OMIM 603813.
Cardiovascular phenotype. Identifiers: MedGen CN230736.

Allele frequency attached by ClinVar (database versions not stated): TOPMed below 0.00001.
gnomAD v4.1: 6 of 1,211,890 alleles (0.0005%); highest among the groups gnomAD compares: Non-Finnish European, 0.00062%; no homozygotes.

Submissions (3):

Labcorp Genetics (formerly Invitae), Labcorp
Classification: Uncertain significance for Hypercholesterolemia, familial, 4. Last evaluated: 2025-12-08. Review status: criteria provided, single submitter. Criteria: Invitae Variant Classification Sherloc (09022015). Collection method: clinical testing. Allele origin: germline.
Comment: This sequence change replaces serine, which is neutral and polar, with arginine, which is basic and polar, at codon 16 of the LDLRAP1 protein (p.Ser16Arg). This variant is not present in population databases (gnomAD no frequency). This variant has not been reported in the literature in individuals affected with LDLRAP1-related conditions. ClinVar contains an entry for this variant (Variation ID: 1483562). An algorithm developed to predict the effect of missense changes on protein structure and function (PolyPhen-2) suggests that this variant is likely to be tolerated. In summary, the available evidence is currently insufficient to determine the role of this variant in disease. Therefore, it has been classified as a Variant of Uncertain Significance.

Genome-Nilou Lab
Classification: Uncertain significance for Hypercholesterolemia, familial, 4. Last evaluated: 2023-04-11. Review status: criteria provided, single submitter. Criteria: ACMG Guidelines, 2015. Collection method: clinical testing. Allele origin: germline. Affected: no.

Ambry Genetics
Classification: Uncertain significance for Cardiovascular phenotype. Last evaluated: 2021-03-12. Review status: criteria provided, single submitter. Criteria: Ambry Variant Classification Scheme 2023. Collection method: clinical testing. Allele origin: germline.
Comment: The p.S16R variant (also known as c.46A>C), located in coding exon 1 of the LDLRAP1 gene, results from an A to C substitution at nucleotide position 46. The serine at codon 16 is replaced by arginine, an amino acid with dissimilar properties. This amino acid position is highly conserved in available vertebrate species. In addition, this alteration is predicted to be tolerated by in silico analysis. Since supporting evidence is limited at this time, the clinical significance of this alteration remains unclear.